The following is an entry in ClinVar:

ClinVar aggregate classification (germline): Uncertain significance. Review status: criteria provided, multiple submitters, no conflicts (2 of 4 stars). 2 submissions from 2 submitters: Uncertain significance (2). Last evaluated 2023-12-18.

Conditions:
Hereditary cancer-predisposing syndrome. Also called: Tumor predisposition; Hereditary Cancer Syndrome; Hereditary neoplastic syndrome; Neoplastic Syndromes, Hereditary. Identifiers: Orphanet 140162, MedGen C0027672, MeSH D009386, MONDO:0015356.
Multiple endocrine neoplasia, type 2 (MEN2). Identifiers: Orphanet 653, MedGen C4048306, MONDO:0019003. Disease mechanism: gain of function.

Submissions (2):

All of Us Research Program, National Institutes of Health
Classification: Uncertain significance for Multiple endocrine neoplasia, type 2. Last evaluated: 2023-12-18. Review status: criteria provided, single submitter. Criteria: ACMG Guidelines, 2015. Collection method: clinical testing. Allele origin: germline. Inheritance: Autosomal dominant inheritance. Observed: 1 variant allele, 1 heterozygote.
Comment: This missense variant replaces cysteine with tyrosine at codon 87 of the RET protein. Computational prediction suggests that this variant may not impact protein structure and function (internally defined REVEL score threshold <= 0.5, PMID: 27666373). To our knowledge, functional studies have not been reported for this variant. This variant has not been reported in individuals affected with RET-related disorders in the literature. This variant has not been identified in the general population by the Genome Aggregation Database (gnomAD). The available evidence is insufficient to determine the role of this variant in disease conclusively. Therefore, this variant is classified as a Variant of Uncertain Significance.

This study involves interpretation of variants in research participants for the purpose of population health screening. Participant phenotype was not available at the time of variant classification. Additional details can be found in publication PMID: 35346344, PMCID: PMC8962531

Ambry Genetics
Classification: Uncertain significance for Hereditary cancer-predisposing syndrome. Last evaluated: 2023-09-14. Review status: criteria provided, single submitter. Criteria: Ambry Variant Classification Scheme 2023. Collection method: clinical testing. Allele origin: germline.
Comment: The p.C87Y variant (also known as c.260G>A), located in coding exon 2 of the RET gene, results from a G to A substitution at nucleotide position 260. The cysteine at codon 87 is replaced by tyrosine, an amino acid with highly dissimilar properties. This amino acid position is conserved. In addition, this alteration is predicted to be tolerated by in silico analysis. Since supporting evidence is limited at this time, the clinical significance of this alteration remains unclear.

NM_020975.6(RET):c.260G>A (p.Cys87Tyr)

Gene: RET (ret proto-oncogene; plus strand). Cytogenetic location: 10q11.21.
Variant type: single nucleotide variant.
Coding change: c.260G>A on transcript NM_020975.6 (MANE Select); coding-DNA position 260, G replaced by A.
Protein change: p.Cys87Tyr; replaces cysteine 87 with tyrosine.
Molecular consequence: missense variant. On other transcripts: intron variant (4).
Genome position (GRCh38, 1-based): chr10:43,100,645, G>A. VCF-style: chr10-43100645-G-A. GRCh37 (hg19) VCF-style: chr10-43596093-G-A.
Other names: c.260G>A, p.Cys87Tyr (NM_001406767.1, NM_001406768.1, NM_001406765.1 and 34 more transcripts); c.74-8386G>A (NM_001406784.1); c.74-11454G>A (NM_001406794.1, NM_001406792.1, NM_001406793.1); short protein forms C87Y.
Identifiers: ClinVar variation 2587894 (VCV002587894.3), dbSNP rs1462347303, ClinGen allele CA376770430.
Genomic context (GRCh38, chr10:43,100,645, plus strand): 5'-GCCTGGGCCAGCATCTCTACGGCACGTACCGCACACGGCTGCATGAGAACAACTGGATCT[G>A]CATCCAGGAGGACACCGGCCTCCTCTACCTTAACCGGAGCCTGGACCATAGCTCCTGGGA-3'
Protein context (NP_066124.1, residues 77-97): RTRLHENNWI[Cys87Tyr]IQEDTGLLYL